The following is an entry in ClinVar:

ClinVar aggregate classification (germline): Benign. Review status: criteria provided, multiple submitters, no conflicts (2 of 4 stars). 3 submissions from 3 submitters: Benign (2). 1 of the submissions does not count toward it. Last evaluated 2026-02-02.

Conditions:
Immunodeficiency. Identifiers: MedGen C0021051, MONDO:0021094, HP:0002721.
NFAT5-related disorder. Also called: NFAT5-related condition.

Allele frequency attached by ClinVar (database versions not stated): gnomAD exomes 0.00413 and 0.01116; ExAC 0.01365; gnomAD 0.04471 and 0.04796; 1000 Genomes Project 0.04912; TOPMed 0.04939; ESP Exome Variant Server 0.05125; 1000 Genomes Project 30x 0.05543.
gnomAD v4.1: 13,087 of 1,614,074 alleles (0.81%); highest among the groups gnomAD compares: African/African-American, 16%; 952 homozygotes.

Submissions (3):

Labcorp Genetics (formerly Invitae), Labcorp
Classification: Benign for Immunodeficiency. Last evaluated: 2026-02-02. Review status: criteria provided, single submitter. Criteria: Invitae Variant Classification Sherloc (09022015). Collection method: clinical testing. Allele origin: germline.

Breakthrough Genomics
Classification: Benign. Review status: criteria provided, single submitter. Criteria: ACMG Guidelines, 2015. Collection method: not provided. Allele origin: germline. Inheritance: Unknown mechanism. Affected: yes.

PreventionGenetics, part of Exact Sciences
Classification: Benign for NFAT5-related condition. Last evaluated: 2019-07-11. Review status: no assertion criteria provided. Collection method: clinical testing. Allele origin: germline. Not counted in ClinVar's aggregate classification.
Comment: This variant is classified as benign based on ACMG/AMP sequence variant interpretation guidelines (Richards et al. 2015 PMID: 25741868, with internal and published modifications).

NM_138713.4(NFAT5):c.3351T>C (p.Ile1117=)

Gene: NFAT5 (nuclear factor of activated T cells 5; plus strand). Cytogenetic location: 16q22.1.
Variant type: single nucleotide variant.
Coding change: c.3351T>C on transcript NM_138713.4 (MANE Select); coding-DNA position 3351, T replaced by C.
Protein change: p.Ile1117=; no amino-acid change (isoleucine 1117 retained).
Molecular consequence: synonymous variant.
Genome position (GRCh38, 1-based): chr16:69,693,176, T>C. VCF-style: chr16-69693176-T-C. GRCh37 (hg19) VCF-style: chr16-69727079-T-C.
Other names: c.3348T>C, p.Ile1116= (NM_001113178.3); c.2676T>C, p.Ile892= (NM_001367709.1); c.3297T>C, p.Ile1099= (NM_006599.4); c.3069T>C, p.Ile1023= (NM_138714.4, NM_173214.3, NM_173215.3); c.3351T>C, p.Ile1117= (LRG_1332t1).
Identifiers: ClinVar variation 456658 (VCV000456658.14), dbSNP rs61730073, ClinGen allele CA8135890.
Genomic context (GRCh38, chr16:69,693,176, plus strand): 5'-CGATGCTCAGAACCTTTCCCAGGAAACTCAAGGTTCTCTCTTTCATAGTCCAAATCCTAT[T>C]GTCCACAGTCAGACTTCTACAACCTCCTCTGAACAAATGCAGCCTCCAATGTTTCACTCT-3'
Protein context (NP_619727.2, residues 1107-1127): QGSLFHSPNP[Ile1117=]VHSQTSTTSS